The following is an entry in ClinVar:

NM_016169.4(SUFU):c.211G>C (p.Val71Leu)

Gene: SUFU (SUFU negative regulator of hedgehog signaling; plus strand). Cytogenetic location: 10q24.32.
Variant type: single nucleotide variant.
Coding change: c.211G>C on transcript NM_016169.4 (MANE Select); coding-DNA position 211, G replaced by C.
Protein change: p.Val71Leu; replaces valine 71 with leucine.
Molecular consequence: missense variant.
Genome position (GRCh38, 1-based): chr10:102,509,197, G>C. VCF-style: chr10-102509197-G-C. GRCh37 (hg19) VCF-style: chr10-104268954-G-C.
Other names: c.211G>C, p.Val71Leu (NM_001178133.2); short protein forms V71L.
Identifiers: ClinVar variation 5030372 (VCV005030372.1).
Genomic context (GRCh38, chr10:102,509,197, plus strand): 5'-ACACTAACACCCCTGTGTTTTGTTTTTTGCAGGTTGGGTGGCCCAGACCCCTTGGACTAT[G>C]TTAGCATGTACAGGAATGTGGGGAGCCCTTCTGCTAACATCCCCGAGCACTGGCACTACA-3'
Protein context (NP_057253.2, residues 61-81): WLGGPDPLDY[Val71Leu]SMYRNVGSPS

ClinVar aggregate classification (germline): Uncertain significance (1 of 4 stars; one submission).

Conditions:
Hereditary cancer-predisposing syndrome. Also called: Neoplastic Syndromes, Hereditary; Tumor predisposition; Hereditary neoplastic syndrome; Hereditary Cancer Syndrome. Identifiers: Orphanet 140162, MedGen C0027672, MeSH D009386, MONDO:0015356.

Submission:

Ambry Genetics
Classification: Uncertain significance for Hereditary cancer-predisposing syndrome. Last evaluated: 2026-07-06. Review status: criteria provided, single submitter. Criteria: Ambry Variant Classification Scheme 2023. Collection method: clinical testing. Allele origin: germline.
Comment: The p.V71L variant (also known as c.211G>C), located in coding exon 2 of the SUFU gene, results from a G to C substitution at nucleotide position 211. The valine at codon 71 is replaced by leucine, an amino acid with highly similar properties. This amino acid position is conserved. In addition, the in silico prediction for this alteration is inconclusive. Based on the available evidence, the clinical significance of this variant remains unclear.